The following is an entry in ClinVar:

NM_004656.4(BAP1):c.1250+7C>G

Gene: BAP1 (BRCA1 associated deubiquitinase 1; minus strand). Cytogenetic location: 3p21.1.
Variant type: single nucleotide variant.
Coding change: c.1250+7C>G on transcript NM_004656.4 (MANE Select); 7 bases into the intron after coding-DNA position 1250, C replaced by G.
Molecular consequence: intron variant.
Genome position (GRCh38, 1-based): chr3:52,404,446, G>C on the plus strand (C>G on the coding strand, the complement: BAP1 is on the minus strand). VCF-style: chr3-52404446-G-C. GRCh37 (hg19) VCF-style: chr3-52438462-G-C.
Identifiers: ClinVar variation 240044 (VCV000240044.15), dbSNP rs878854738, ClinGen allele CA10582199.

ClinVar aggregate classification (germline): Benign/Likely benign. Review status: criteria provided, multiple submitters, no conflicts (2 of 4 stars). 4 submissions from 4 submitters: Benign (1); Likely benign (3). Last evaluated 2026-05-09.

Conditions:
BAP1-related disorder. Also called: BAP1-related condition.
Hereditary cancer-predisposing syndrome. Also called: Neoplastic Syndromes, Hereditary; Hereditary neoplastic syndrome; Hereditary Cancer Syndrome; Tumor predisposition. Identifiers: Orphanet 140162, MedGen C0027672, MeSH D009386, MONDO:0015356.
BAP1-related tumor predisposition syndrome (TPDS1). Also called: COMMON Syndrome; BAP1 tumor predisposition syndrome; TUMOR PREDISPOSITION SYNDROME 1; Tumor susceptibility linked to germline BAP1 mutations. Identifiers: Orphanet 289539, MedGen C3280492, MONDO:0013692, OMIM 614327.

Allele frequency attached by ClinVar (database versions not stated): gnomAD exomes 0.00001; TOPMed 0.00001.
gnomAD v4.1: 11 of 1,614,218 alleles (0.00068%); highest among the groups gnomAD compares: Non-Finnish European, 0.00093%; no homozygotes.

Submissions (4):

PreventionGenetics, part of Exact Sciences
Classification: Likely benign for BAP1-related condition. Last evaluated: 2026-05-09. Review status: criteria provided, single submitter. Criteria: ACMG Guidelines, 2015. Collection method: clinical testing. Allele origin: germline.
Comment: This variant is classified as likely benign based on ACMG/AMP sequence variant interpretation guidelines (Richards et al. 2015 PMID: 25741868, with internal and published modifications).

Labcorp Genetics (formerly Invitae), Labcorp
Classification: Likely benign for BAP1-related tumor predisposition syndrome. Last evaluated: 2025-12-22. Review status: criteria provided, single submitter. Criteria: Invitae Variant Classification Sherloc (09022015). Collection method: clinical testing. Allele origin: germline.

Myriad Genetics, Inc.
Classification: Benign for BAP1-related tumor predisposition syndrome. Last evaluated: 2024-07-16. Review status: criteria provided, single submitter. Criteria: Myriad Autosomal Dominant, Autosomal Recessive and X-Linked Classification Criteria (2023). Collection method: clinical testing. Allele origin: unknown.
Comment: This variant is considered benign. This variant is intronic and is not expected to impact mRNA splicing. This variant has been observed at a population frequency that is significantly greater than expected given the associated disease prevalence and penetrance.

Color Diagnostics, LLC DBA Color Health
Classification: Likely benign for Hereditary cancer-predisposing syndrome. Last evaluated: 2018-01-24. Review status: criteria provided, single submitter. Criteria: ACMG Guidelines, 2015. Collection method: clinical testing. Allele origin: germline.